The following is an entry in ClinVar:

ClinVar aggregate classification (germline): Likely benign. Review status: criteria provided, multiple submitters, no conflicts (2 of 4 stars). 3 submissions from 3 submitters: Likely benign (2). 1 of the submissions does not count toward it. Last evaluated 2025-06-01.

Conditions:
DNAH17-related disorder. Also called: DNAH17-related condition.

Allele frequency attached by ClinVar (database versions not stated): 1000 Genomes Project 0.00060; ESP Exome Variant Server 0.00062; TOPMed 0.00073; gnomAD exomes 0.00167; 1000 Genomes Project 30x 0.00047; gnomAD 0.00169; ExAC 0.00210.
gnomAD v4.1: 2,651 of 1,603,284 alleles (0.17%); highest among the groups gnomAD compares: Non-Finnish European, 0.15%; 10 homozygotes.

Submissions (3):

CeGaT Center for Human Genetics Tuebingen
Classification: Likely benign. Last evaluated: 2025-06-01. Review status: criteria provided, single submitter. Criteria: CeGaT Center For Human Genetics Tuebingen Variant Classification Criteria Version 2. Collection method: clinical testing. Allele origin: germline. Affected: yes. Observed: 2 variant alleles.
Comment: DNAH17: BP4, BS2

Blueprint Genetics
Classification: Likely benign. Last evaluated: 2024-10-22. Review status: criteria provided, single submitter. Criteria: ACMG Guidelines, 2015. Collection method: clinical testing. Allele origin: germline.

PreventionGenetics, part of Exact Sciences
Classification: Likely benign for DNAH17-related condition. Last evaluated: 2019-03-12. Review status: no assertion criteria provided. Collection method: clinical testing. Allele origin: germline. Not counted in ClinVar's aggregate classification.
Comment: This variant is classified as likely benign based on ACMG/AMP sequence variant interpretation guidelines (Richards et al. 2015 PMID: 25741868, with internal and published modifications).

NM_173628.4(DNAH17):c.11806-5T>C

Gene: DNAH17 (dynein axonemal heavy chain 17; minus strand). Cytogenetic location: 17q25.3.
Variant type: single nucleotide variant.
Coding change: c.11806-5T>C on transcript NM_173628.4 (MANE Select); 5 bases into the intron before coding-DNA position 11806, T replaced by C.
Molecular consequence: intron variant.
Genome position (GRCh38, 1-based): chr17:78,437,873, A>G on the plus strand (T>C on the coding strand, the complement: DNAH17 is on the minus strand). VCF-style: chr17-78437873-A-G. GRCh37 (hg19) VCF-style: chr17-76433955-A-G.
Identifiers: ClinVar variation 3039616 (VCV003039616.10), dbSNP rs368277296, ClinGen allele CA8800291.